The following is an entry in ClinVar:

ClinVar aggregate classification (germline): Likely benign. Review status: criteria provided, single submitter (1 of 4 stars). 2 submissions from 2 submitters: Likely benign (1). 1 of the submissions does not count toward it. Last evaluated 2026-01-23.

Conditions:
ANKS6-related disorder. Also called: ANKS6-related condition.
Nephronophthisis 16 (NPHP16). Identifiers: Orphanet 655, MedGen C3809320, MONDO:0014158, OMIM 615382.

Submissions (2):

Labcorp Genetics (formerly Invitae), Labcorp
Classification: Likely benign for Nephronophthisis 16. Last evaluated: 2026-01-23. Review status: criteria provided, single submitter. Criteria: Invitae Variant Classification Sherloc (09022015). Collection method: clinical testing. Allele origin: germline.

PreventionGenetics, part of Exact Sciences
Classification: Likely benign for ANKS6-related condition. Last evaluated: 2024-08-15. Review status: no assertion criteria provided. Collection method: clinical testing. Allele origin: germline. Not counted in ClinVar's aggregate classification.
Comment: This variant is classified as likely benign based on ACMG/AMP sequence variant interpretation guidelines (Richards et al. 2015 PMID: 25741868, with internal and published modifications).

NM_173551.5(ANKS6):c.981G>A (p.Ala327=)

Gene: ANKS6 (ankyrin repeat and sterile alpha motif domain containing 6; minus strand). Cytogenetic location: 9q22.33.
Variant type: single nucleotide variant.
Coding change: c.981G>A on transcript NM_173551.5 (MANE Select); coding-DNA position 981, G replaced by A.
Protein change: p.Ala327=; no amino-acid change (alanine 327 retained).
Molecular consequence: synonymous variant.
Genome position (GRCh38, 1-based): chr9:98,784,084, C>T on the plus strand (G>A on the coding strand, the complement: ANKS6 is on the minus strand). VCF-style: chr9-98784084-C-T. GRCh37 (hg19) VCF-style: chr9-101546366-C-T.
Identifiers: ClinVar variation 3358072 (VCV003358072.2).
Genomic context (GRCh38, chr9:98,784,084, plus strand): 5'-CTCCACCAGCAGCTGCACCAGAGCCAGCTGCCCCGTAACAGCTGCTAGCATCAGTGGCGT[C>T]GCCCCGTCCCCATTGACCAAGTTCACGTGGCTGGGGTCTTCATCGGCAATCTCTTTGACC-3'
Protein context (NP_775822.3, residues 317-337): SHVNLVNGDG[Ala327=]TPLMLAAVTG